The following is an entry in ClinVar:

NM_004104.5(FASN):c.4189G>A (p.Gly1397Ser)

Gene: FASN (fatty acid synthase; minus strand). Cytogenetic location: 17q25.3.
Variant type: single nucleotide variant.
Coding change: c.4189G>A on transcript NM_004104.5 (MANE Select); coding-DNA position 4189, G replaced by A.
Protein change: p.Gly1397Ser; replaces glycine 1397 with serine.
Molecular consequence: missense variant.
Genome position (GRCh38, 1-based): chr17:82,085,336, C>T on the plus strand (G>A on the coding strand, the complement: FASN is on the minus strand). VCF-style: chr17-82085336-C-T. GRCh37 (hg19) VCF-style: chr17-80043212-C-T.
Other names: short protein forms G1397S.
Identifiers: ClinVar variation 1990901 (VCV001990901.4), dbSNP rs754635525, ClinGen allele CA8852161.

ClinVar aggregate classification (germline): Uncertain significance (1 of 4 stars; one submission).

Conditions:
Epileptic encephalopathy. Identifiers: MedGen C0543888, HP:0200134.

Allele frequency attached by ClinVar (database versions not stated): TOPMed below 0.00001; ExAC 0.00001; gnomAD exomes 0.00001.
gnomAD v4.1: 11 of 1,611,548 alleles (0.00068%); highest among the groups gnomAD compares: Non-Finnish European, 0.00093%; no homozygotes.

Submission:

Labcorp Genetics (formerly Invitae), Labcorp
Classification: Uncertain significance for Epileptic encephalopathy. Last evaluated: 2024-07-17. Review status: criteria provided, single submitter. Criteria: Invitae Variant Classification Sherloc (09022015). Collection method: clinical testing. Allele origin: germline.
Comment: This sequence change replaces glycine, which is neutral and non-polar, with serine, which is neutral and polar, at codon 1397 of the FASN protein (p.Gly1397Ser). This variant is present in population databases (rs754635525, gnomAD 0.0009%). This variant has not been reported in the literature in individuals affected with FASN-related conditions. ClinVar contains an entry for this variant (Variation ID: 1990901). An algorithm developed to predict the effect of missense changes on protein structure and function (PolyPhen-2) suggests that this variant is likely to be disruptive. In summary, the available evidence is currently insufficient to determine the role of this variant in disease. Therefore, it has been classified as a Variant of Uncertain Significance.